The following is an entry in ClinVar:

ClinVar aggregate classification (germline): Uncertain significance (1 of 4 stars; one submission).

Submission:

Labcorp Genetics (formerly Invitae), Labcorp
Classification: Uncertain significance. Last evaluated: 2021-04-24. Review status: criteria provided, single submitter. Criteria: Invitae Variant Classification Sherloc (09022015). Collection method: clinical testing. Allele origin: germline.
Comment: In summary, the available evidence is currently insufficient to determine the role of this variant in disease. Therefore, it has been classified as a Variant of Uncertain Significance. Algorithms developed to predict the effect of missense changes on protein structure and function are either unavailable or do not agree on the potential impact of this missense change (SIFT: "Deleterious"; PolyPhen-2: "Probably Damaging"; Align-GVGD: "Class C0"). This variant has not been reported in the literature in individuals with RORB-related conditions. This variant is not present in population databases (ExAC no frequency). This sequence change replaces glutamic acid with glycine at codon 448 of the RORB protein (p.Glu448Gly). The glutamic acid residue is highly conserved and there is a moderate physicochemical difference between glutamic acid and glycine.

NM_006914.4(RORB):c.1343A>G (p.Glu448Gly)

Genes: RORB (RAR related orphan receptor B; plus strand), LOC124310566 (Sharpr-MPRA regulatory region 9792; plus strand). Cytogenetic location: 9q21.13.
Variant type: single nucleotide variant.
Coding change: c.1343A>G on transcript NM_006914.4 (MANE Select); coding-DNA position 1343, A replaced by G.
Protein change: p.Glu448Gly; replaces glutamic acid 448 with glycine.
Molecular consequence: missense variant.
Genome position (GRCh38, 1-based): chr9:74,685,581, A>G. VCF-style: chr9-74685581-A-G. GRCh37 (hg19) VCF-style: chr9-77300497-A-G.
Other names: c.1376A>G, p.Glu459Gly (NM_001365023.1); short protein forms E459G, E448G.
Identifiers: ClinVar variation 1461263 (VCV001461263.8), dbSNP rs2118583675, ClinGen allele CA373772686.